The following is an entry in ClinVar:

NM_001378743.1(CYLD):c.1519-9_1519-6del

Gene: CYLD (CYLD lysine 63 deubiquitinase; plus strand). Cytogenetic location: 16q12.1.
Variant type: Deletion.
Coding change: c.1519-9_1519-6del on transcript NM_001378743.1 (MANE Select); 9 bases into the intron before coding-DNA position 1519 through 6 bases into the intron before coding-DNA position 1519, 4 bases deleted (CTTT; older notation c.1519-9_1519-6delCTTT).
Molecular consequence: intron variant.
Genome position (GRCh38, 1-based): chr16:50,781,237-50,781,240, CTTT deleted; deleting any 4 consecutive bases within chr16:50,781,234-50,781,240 gives the same sequence; the c. name uses the placement nearest the transcript's 3' end. VCF-style (leftmost placement, unchanged base first): chr16-50781233-ATTTC-A. GRCh37 (hg19) VCF-style: chr16-50815144-ATTTC-A.
Other names: c.1519-9_1519-6del (NM_015247.3); c.1510-9_1510-6del (NM_001378745.1, NM_001378744.1, NM_001042355.2 and 6 more transcripts); c.1480-9_1480-6del (NM_001378753.1, NM_001378751.1, NM_001378752.1); c.844-9_844-6del (NM_001378754.1, NM_001378755.1).
Identifiers: ClinVar variation 3649424 (VCV003649424.2).

ClinVar aggregate classification (germline): Uncertain significance (1 of 4 stars; one submission).

Submission:

Labcorp Genetics (formerly Invitae), Labcorp
Classification: Uncertain significance. Last evaluated: 2024-04-10. Review status: criteria provided, single submitter. Criteria: Invitae Variant Classification Sherloc (09022015). Collection method: clinical testing. Allele origin: germline.
Comment: This sequence change falls in intron 10 of the CYLD gene. It does not directly change the encoded amino acid sequence of the CYLD protein. This variant is not present in population databases (gnomAD no frequency). This variant has been observed in individual(s) with Brook-Spiegler syndrome (Invitae). Algorithms developed to predict the effect of sequence changes on RNA splicing suggest that this variant may disrupt the consensus splice site. In summary, the available evidence is currently insufficient to determine the role of this variant in disease. Therefore, it has been classified as a Variant of Uncertain Significance.